The following is an entry in ClinVar:

NM_004006.3(DMD):c.43G>C (p.Asp15His)

Gene: DMD (dystrophin; minus strand). Cytogenetic location: Xp21.1.
Variant type: single nucleotide variant.
Coding change: c.43G>C on transcript NM_004006.3 (MANE Select); coding-DNA position 43, G replaced by C.
Protein change: p.Asp15His; replaces aspartic acid 15 with histidine.
Molecular consequence: missense variant. On other transcripts: 5 prime UTR variant (1).
Genome position (GRCh38, 1-based): chrX:33,020,189, C>G on the plus strand (G>C on the coding strand, the complement: DMD is on the minus strand). VCF-style: chrX-33020189-C-G. GRCh37 (hg19) VCF-style: chrX-33038306-C-G.
Other names: c.19G>C, p.Asp7His (NM_000109.4); c.31G>C, p.Asp11His (NM_004009.3); c.-327G>C (NM_004010.3); short protein forms D15H, D11H, D7H.
Identifiers: ClinVar variation 228589 (VCV000228589.14), dbSNP rs876657780, ClinGen allele CA10577170.

ClinVar aggregate classification (germline): Conflicting classifications of pathogenicity. Review status: criteria provided, conflicting classifications (1 of 4 stars). 5 submissions from 5 submitters: Uncertain significance (3); Benign (1). 1 of the submissions does not count toward it. Last evaluated 2026-01-18.

Conditions:
Cardiomyopathy (CMYO). Also called: Cardiomyopathies. Identifiers: Orphanet 167848, MedGen C0878544, MONDO:0004994, HP:0001638. Inheritance: Various modes of inheritance.
Duchenne muscular dystrophy (DMD). Also called: MUSCULAR DYSTROPHY, PSEUDOHYPERTROPHIC PROGRESSIVE, DUCHENNE TYPE; Duchenne Muscular Dystrophy (DMD). Identifiers: Orphanet 98896, MedGen C0013264, MONDO:0010679, OMIM 310200.
Becker muscular dystrophy (BMD). Also called: Becker Muscular Dystrophy (BMD); MUSCULAR DYSTROPHY, PSEUDOHYPERTROPHIC PROGRESSIVE, BECKER TYPE. Identifiers: Orphanet 98895, MedGen C0917713, MONDO:0010311, OMIM 300376.
Dystrophin deficiency.
Cardiovascular phenotype. Identifiers: MedGen CN230736.

Allele frequency attached by ClinVar (database versions not stated): gnomAD 0.00006 and 0.00005; gnomAD exomes 0.00001; TOPMed 0.00005.
gnomAD v4.1: 13 of 1,172,799 alleles (0.0011%); highest among the groups gnomAD compares: African/African-American, 0.019%; no homozygotes.

Submissions (5):

Labcorp Genetics (formerly Invitae), Labcorp
Classification: Benign for Duchenne muscular dystrophy. Last evaluated: 2026-01-18. Review status: criteria provided, single submitter. Criteria: Invitae Variant Classification Sherloc (09022015). Collection method: clinical testing. Allele origin: germline.

Revvity Omics, Revvity
Classification: Uncertain significance. Last evaluated: 2023-11-14. Review status: criteria provided, single submitter. Criteria: ACMG Guidelines, 2015. Collection method: clinical testing. Allele origin: germline.

Ambry Genetics
Classification: Uncertain significance for Cardiovascular phenotype. Last evaluated: 2023-09-20. Review status: criteria provided, single submitter. Criteria: Ambry Variant Classification Scheme 2023. Collection method: clinical testing. Allele origin: germline.
Comment: The p.D15H variant (also known as c.43G>C), located in coding exon 2 of the DMD gene, results from a G to C substitution at nucleotide position 43. The aspartic acid at codon 15 is replaced by histidine, an amino acid with similar properties. This variant has been detected in a cohort referred for dilated cardiomyopathy genetic testing (Mazzarotto F et al. Circulation. 2020 Feb;141(5):387-398). Based on data from gnomAD, the C allele has an overall frequency of 0.001084% (2/184470) total alleles studied, with 0 hemizygotes observed. The highest observed frequency was 0.01136% (2/17607) of African American alleles. This amino acid position is highly conserved in available vertebrate species. In addition, this alteration is predicted to be deleterious by in silico analysis. Since supporting evidence is limited at this time, the clinical significance of this alteration remains unclear.

Laboratory for Molecular Medicine, Mass General Brigham Personalized Medicine
Classification: Uncertain significance. Last evaluated: 2015-06-12. Review status: criteria provided, single submitter. Criteria: LMM Criteria. Collection method: clinical testing. Allele origin: germline. Observed: 1 variant allele.
Comment: The p.Asp15His variant in DMD has not been previously reported in individuals wi th cardiomyopathy and was absent from large population studies. Computational pr ediction tools and conservation analysis suggest that the variant may not impact the protein, though this information is not predictive enough to rule out patho genicity. In summary, the clinical significance of the p.Asp15His variant is unc ertain.

Natera, Inc.
Classification: Uncertain significance for Becker muscular dystrophy; Cardiomyopathy; Duchenne muscular dystrophy; Dystrophin deficiency. Last evaluated: 2020-04-21. Review status: no assertion criteria provided. Collection method: clinical testing. Allele origin: germline. Not counted in ClinVar's aggregate classification.

Literature cited by the submitters: PubMed 31983221 (cited by Ambry Genetics).